The following is an entry in ClinVar:

ClinVar aggregate classification (germline): Conflicting classifications of pathogenicity. Review status: criteria provided, conflicting classifications (1 of 4 stars). 11 submissions from 10 submitters: Uncertain significance (2); Benign (1); Likely benign (5). 3 of the submissions do not count toward it. Last evaluated 2026-01-01.

Conditions:
Autosomal dominant cerebellar ataxia. Also called: Spinocerebellar Ataxia, Dominant. Identifiers: Orphanet 99, MedGen C4087347, MONDO:0020380.
Inborn genetic diseases. Identifiers: MedGen C0950123, MeSH D030342.
Charcot-Marie-Tooth disease axonal type 2O. Also called: Charcot-Marie-Tooth disease, axonal, type 20; CHARCOT-MARIE-TOOTH NEUROPATHY, AXONAL, TYPE 2O; CHARCOT-MARIE-TOOTH DISEASE, AXONAL, AUTOSOMAL DOMINANT, TYPE 2O; Charcot-Marie-Tooth Neuropathy Type 2O. Identifiers: Orphanet 284232, MedGen C3280220, MONDO:0013644, OMIM 614228.
Cortical dysplasia, complex, with other brain malformations 13. Also called: Intellectual disability, autosomal dominant 13. Identifiers: MedGen C3281202, MONDO:0013805, OMIM 614563.
Autosomal dominant childhood-onset proximal spinal muscular atrophy without contractures. Also called: KUGELBERG-WELANDER SYNDROME, AUTOSOMAL DOMINANT; SPINAL MUSCULAR ATROPHY, JUVENILE, PROXIMAL, AUTOSOMAL DOMINANT; SPINAL MUSCULAR ATROPHY, CHILDHOOD, PROXIMAL, AUTOSOMAL DOMINANT; Spinal muscular atrophy, lower extremity-predominant 1, AD. Identifiers: Orphanet 209341, Orphanet 363447, MedGen C5780022, MONDO:0008026, OMIM 158600.
DYNC1H1-related disorder. Also called: DYNC1H1-related condition; DYNC1H1-related disorders. Identifiers: MedGen CN381529.

Allele frequency attached by ClinVar (database versions not stated): ExAC 0.00017; ESP Exome Variant Server 0.00023; gnomAD exomes 0.00024; gnomAD 0.00027 and 0.00030; TOPMed 0.00032.
gnomAD v4.1: 455 of 1,613,966 alleles (0.028%); highest among the groups gnomAD compares: Admixed American, 0.062%; no homozygotes.

Submissions (11):

CeGaT Center for Human Genetics Tuebingen
Classification: Likely benign. Last evaluated: 2026-01-01. Review status: criteria provided, single submitter. Criteria: CeGaT Center For Human Genetics Tuebingen Variant Classification Criteria Version 2. Collection method: clinical testing. Allele origin: germline. Affected: yes. Observed: 2 variant alleles.
Comment: DYNC1H1: PP2, BS1

Labcorp Genetics (formerly Invitae), Labcorp
Classification: Likely benign for Charcot-Marie-Tooth disease axonal type 2O. Last evaluated: 2025-12-20. Review status: criteria provided, single submitter. Criteria: Invitae Variant Classification Sherloc (09022015). Collection method: clinical testing. Allele origin: germline.

Blueprint Genetics
Classification: Likely benign. Last evaluated: 2024-10-22. Review status: criteria provided, single submitter. Criteria: ACMG Guidelines, 2015. Collection method: clinical testing. Allele origin: germline.

GeneDx
Classification: Likely benign. Last evaluated: 2021-03-09. Review status: criteria provided, single submitter. Criteria: GeneDx Variant Classification Process June 2021. Collection method: clinical testing. Allele origin: germline. Affected: yes.
Comment: This variant is associated with the following publications: (PMID: 33307280)

Centre for Mendelian Genomics, University Medical Centre Ljubljana
Classification: Benign for Charcot-Marie-Tooth disease axonal type 2O. Last evaluated: 2019-01-01. Review status: criteria provided, single submitter. Criteria: ACMG Guidelines, 2015. Collection method: clinical testing. Allele origin: unknown. Affected: yes.
Comment: This variant was classified as: Benign. The following ACMG criteria were applied in classifying this variant: BS1,BP4.

Illumina Laboratory Services, Illumina
Classification: Uncertain significance for Spinocerebellar Ataxia, Dominant. Last evaluated: 2018-01-12. Review status: criteria provided, single submitter. Criteria: ICSL Variant Classification Criteria 13 December 2019. Collection method: clinical testing. Allele origin: germline.

Illumina Laboratory Services, Illumina
Classification: Uncertain significance for Charcot-Marie-Tooth disease axonal type 2O. Last evaluated: 2018-01-12. Review status: criteria provided, single submitter. Criteria: ICSL Variant Classification Criteria 13 December 2019. Collection method: clinical testing. Allele origin: germline.

Ambry Genetics
Classification: Likely benign for Inborn genetic diseases. Last evaluated: 2017-11-06. Review status: criteria provided, single submitter. Criteria: Ambry Variant Classification Scheme 2023. Collection method: clinical testing. Allele origin: germline.

PreventionGenetics, part of Exact Sciences
Classification: Likely benign for DYNC1H1-related condition. Last evaluated: 2024-09-12. Review status: no assertion criteria provided. Collection method: clinical testing. Allele origin: germline. Not counted in ClinVar's aggregate classification.
Comment: This variant is classified as likely benign based on ACMG/AMP sequence variant interpretation guidelines (Richards et al. 2015 PMID: 25741868, with internal and published modifications).

Clinical Genetics, Academic Medical Center
Classification: Uncertain significance. Review status: no assertion criteria provided. Collection method: clinical testing. Allele origin: germline. Affected: yes. Study: VKGL Data-share Consensus. Not counted in ClinVar's aggregate classification.

Genome Diagnostics Laboratory, Amsterdam University Medical Center
Classification: Uncertain significance. Review status: no assertion criteria provided. Collection method: clinical testing. Allele origin: germline. Affected: yes. Study: VKGL Data-share Consensus. Not counted in ClinVar's aggregate classification.

NM_001376.5(DYNC1H1):c.5971G>A (p.Asp1991Asn)

Gene: DYNC1H1 (dynein cytoplasmic 1 heavy chain 1; plus strand). Cytogenetic location: 14q32.31.
Variant type: single nucleotide variant.
Coding change: c.5971G>A on transcript NM_001376.5 (MANE Select); coding-DNA position 5971, G replaced by A.
Protein change: p.Asp1991Asn; replaces aspartic acid 1991 with asparagine.
Molecular consequence: missense variant.
Genome position (GRCh38, 1-based): chr14:102,008,331, G>A. VCF-style: chr14-102008331-G-A. GRCh37 (hg19) VCF-style: chr14-102474668-G-A.
Other names: short protein forms D1991N.
Identifiers: ClinVar variation 239001 (VCV000239001.61), dbSNP rs151001016, ClinGen allele CA7352512.
Genomic context (GRCh38, chr14:102,008,331, plus strand): 5'-GTGTCCCAGCAGGTGCAGTGCATACAGGAAGCACTGCGTGAACATTCCAACCCCAACTAC[G>A]ACAAGAGTAAGACACCTCTTCTTCAAAAATTACTTAGAGAATGTAGAGGGAAATTCCCTA-3'
Protein context (NP_001367.2, residues 1981-2001): ALREHSNPNY[Asp1991Asn]KTSAPITCEL